The following is an entry in ClinVar:

NM_004369.4(COL6A3):c.6451G>C (p.Val2151Leu)

Gene: COL6A3 (collagen type VI alpha 3 chain; minus strand). Cytogenetic location: 2q37.3.
Variant type: single nucleotide variant.
Coding change: c.6451G>C on transcript NM_004369.4 (MANE Select); coding-DNA position 6451, G replaced by C.
Protein change: p.Val2151Leu; replaces valine 2151 with leucine.
Molecular consequence: missense variant.
Genome position (GRCh38, 1-based): chr2:237,358,541, C>G on the plus strand (G>C on the coding strand, the complement: COL6A3 is on the minus strand). VCF-style: chr2-237358541-C-G. GRCh37 (hg19) VCF-style: chr2-238267184-C-G.
Other names: c.4630G>C, p.Val1544Leu (NM_057166.5); c.5833G>C, p.Val1945Leu (NM_057167.4); short protein forms V2151L, V1544L, V1945L.
Identifiers: ClinVar variation 451229 (VCV000451229.19), dbSNP rs768565928, ClinGen allele CA2188286.
Genomic context (GRCh38, chr2:237,358,541, plus strand): 5'-CCAGGCTCAGGTCTGAAATCGTCAATAAAGAAATCTTTACCGGGTCCCCTCGAATCCCAA[C>G]ATCTCCTCTTTCTCCTTTCTCTCCTCGAGGTCCTTTATCACCCTAAAGAAAAAGCACAAG-3'
Protein context (NP_004360.2, residues 2141-2161): PRGEKGERGD[Val2151Leu]GIRGDPGNPG

ClinVar aggregate classification (germline): Conflicting classifications of pathogenicity. Review status: criteria provided, conflicting classifications (1 of 4 stars). 5 submissions from 5 submitters: Uncertain significance (4); Likely benign (1). Last evaluated 2026-01-02.

Conditions:
COL6A3-related disorder. Also called: COL6A3-related disorders; COL6A3-related condition.
Inborn genetic diseases. Identifiers: MedGen C0950123, MeSH D030342.
Bethlem myopathy 1A. Also called: MYOPATHY, BENIGN CONGENITAL, WITH CONTRACTURES; Bethlem myopathy 1; Bethlem Muscular Dystrophy. Identifiers: Orphanet 610, MedGen CN029274, MONDO:0024530, OMIM 158810.

Allele frequency attached by ClinVar (database versions not stated): gnomAD 0.00003; gnomAD exomes 0.00007 and 0.00014; TOPMed 0.00008; ExAC 0.00011.
gnomAD v4.1: 42 of 1,614,120 alleles (0.0026%); highest among the groups gnomAD compares: Admixed American, 0.07%; no homozygotes.

Submissions (5):

Ambry Genetics
Classification: Uncertain significance for Inborn genetic diseases. Last evaluated: 2026-01-02. Review status: criteria provided, single submitter. Criteria: Ambry Variant Classification Scheme 2023. Collection method: clinical testing. Allele origin: germline.

Labcorp Genetics (formerly Invitae), Labcorp
Classification: Likely benign for Bethlem myopathy 1A. Last evaluated: 2025-08-20. Review status: criteria provided, single submitter. Criteria: Invitae Variant Classification Sherloc (09022015). Collection method: clinical testing. Allele origin: germline.

PreventionGenetics, part of Exact Sciences
Classification: Uncertain significance for COL6A3-related condition. Last evaluated: 2023-06-07. Review status: criteria provided, single submitter. Criteria: ACMG Guidelines, 2015. Collection method: clinical testing. Allele origin: germline.
Comment: The COL6A3 c.6451G>C variant is predicted to result in the amino acid substitution p.Val2151Leu. To our knowledge, this variant has not been reported in the literature. This variant is reported in 0.099% of alleles in individuals of Latino descent in gnomAD. At this time, the clinical significance of this variant is uncertain due to the absence of conclusive functional and genetic evidence.

GeneDx
Classification: Uncertain significance. Last evaluated: 2020-11-12. Review status: criteria provided, single submitter. Criteria: GeneDx Variant Classification Process June 2021. Collection method: clinical testing. Allele origin: germline. Affected: yes.
Comment: In silico analysis, which includes protein predictors and evolutionary conservation, supports that this variant does not alter protein structure/function; Has not been previously published as pathogenic or benign to our knowledge

Eurofins Ntd Llc (ga)
Classification: Uncertain significance. Last evaluated: 2017-07-27. Review status: criteria provided, single submitter. Criteria: EGL Classification Definitions 2015. Collection method: clinical testing. Allele origin: germline. Observed: 1 variant allele, 1 heterozygote.